The following is an entry in ClinVar:

NM_000350.3(ABCA4):c.3275_3276insTGGAGGGGGT (p.Asp1093fs)

Gene: ABCA4 (ATP binding cassette subfamily A member 4; minus strand). Cytogenetic location: 1p22.1.
Variant type: Insertion.
Coding change: c.3275_3276insTGGAGGGGGT on transcript NM_000350.3 (MANE Select); coding-DNA positions 3275 to 3276, TGGAGGGGGT inserted.
Protein change: p.Asp1093fs; shifts the reading frame from aspartic acid 1093.
Molecular consequence: frameshift variant.
Genome position: GRCh38 VCF-style: chr1-94042813-C-CACCCCCTCCA. GRCh37 (hg19) VCF-style: chr1-94508369-C-CACCCCCTCCA.
Other names: c.3053_3054insTGGAGGGGGT, p.Asp1019fs (NM_001425324.1); short protein forms D1093fs, D1019fs.
Identifiers: ClinVar variation 3658230 (VCV003658230.2).
Genomic context (GRCh38, chr1:94,042,813, plus strand): 5'-GCTGTTACCTGAGCGATACTTCAGGAGCAGATCCCAGATTGAGCGTCTCGAGTAAGGGTC[C>CACCCCCTCCA]ACCCCAGAGGTGGGTTCGTCCAGAATCACCACCTTGGCATCTCCCACAAAGGCAATGGCA-3'

ClinVar aggregate classification (germline): Pathogenic (1 of 4 stars; one submission).

Submission:

Labcorp Genetics (formerly Invitae), Labcorp
Classification: Pathogenic. Last evaluated: 2024-11-22. Review status: criteria provided, single submitter. Criteria: Invitae Variant Classification Sherloc (09022015). Collection method: clinical testing. Allele origin: germline.
Comment: This sequence change creates a premature translational stop signal (p.Asp1093Glyfs*85) in the ABCA4 gene. It is expected to result in an absent or disrupted protein product. Loss-of-function variants in ABCA4 are known to be pathogenic (PMID: 10958761, 24938718, 25312043, 26780318). This variant is not present in population databases (gnomAD no frequency). This variant has not been reported in the literature in individuals affected with ABCA4-related conditions. For these reasons, this variant has been classified as Pathogenic.

Literature cited by the submitters: PubMed 10958761; PubMed 24938718; PubMed 25312043; PubMed 26780318.